The following is an entry in ClinVar:

ClinVar aggregate classification (germline): Pathogenic/Likely pathogenic. Review status: criteria provided, multiple submitters, no conflicts (2 of 4 stars). 2 submissions from 2 submitters: Pathogenic (1); Likely pathogenic (1). Last evaluated 2026-05-01.

Conditions:
Hereditary cancer-predisposing syndrome. Also called: Tumor predisposition; Hereditary neoplastic syndrome; Neoplastic Syndromes, Hereditary; Hereditary Cancer Syndrome. Identifiers: Orphanet 140162, MedGen C0027672, MeSH D009386, MONDO:0015356.
Retinoblastoma (RB1). Also called: RETINOBLASTOMA, SOMATIC. Identifiers: Orphanet 790, MedGen C0035335, MeSH D012175, MONDO:0008380, OMIM 180200, HP:0009919. Disease mechanism: loss of function. Inheritance: Both sporadic and heritable forms are tested..

Submissions (2):

Ambry Genetics
Classification: Likely pathogenic for Hereditary cancer-predisposing syndrome. Last evaluated: 2026-05-01. Review status: criteria provided, single submitter. Criteria: Ambry Variant Classification Scheme 2023. Collection method: clinical testing. Allele origin: germline.
Comment: The c.380+2T>G intronic variant results from a T to G substitution two nucleotides after coding exon 3 in the RB1 gene. This variant was reported in individual(s) with features consistent with RB1-related retinoblastoma (Ambry internal data). Other variant(s) impacting the same donor site (c.380+1G>A) have been identified in individual(s) with features consistent with RB1-related retinoblastoma (Seo SH et al. Clin. Genet. 2013 May; 83(5):494-6; Yilmaz S et al. Hum. Mutat. 1998 ; 12(6):434). This variant is considered to be rare based on population cohorts in the Genome Aggregation Database (gnomAD). This nucleotide position is highly conserved in available vertebrate species. In silico splice site analysis predicts that this alteration will weaken the native splice donor site. Variants that disrupt the canonical splice site are expected to cause aberrant splicing, resulting in an abnormal protein or a transcript that is subject to nonsense-mediated mRNA decay. As such, this variant is classified as likely pathogenic.

Labcorp Genetics (formerly Invitae), Labcorp
Classification: Pathogenic for Retinoblastoma. Last evaluated: 2024-04-29. Review status: criteria provided, single submitter. Criteria: Invitae Variant Classification Sherloc (09022015). Collection method: clinical testing. Allele origin: germline.
Comment: This sequence change affects a donor splice site in intron 3 of the RB1 gene. It is expected to disrupt RNA splicing. Variants that disrupt the donor or acceptor splice site typically lead to a loss of protein function (PMID: 16199547), and loss-of-function variants in RB1 are known to be pathogenic (PMID: 17096365). This variant is not present in population databases (gnomAD no frequency). Disruption of this splice site has been observed in individual(s) with bilateral retinoblastoma (PMID: 25754945). Algorithms developed to predict the effect of sequence changes on RNA splicing suggest that this variant may disrupt the consensus splice site. For these reasons, this variant has been classified as Pathogenic.

Literature cited by the submitters: PubMed 16199547 (cited by Labcorp Genetics (formerly Invitae), Labcorp); PubMed 17096365 (cited by Labcorp Genetics (formerly Invitae), Labcorp); PubMed 25754945 (cited by Labcorp Genetics (formerly Invitae), Labcorp).

NM_000321.3(RB1):c.380+2T>G

Gene: RB1 (RB transcriptional corepressor 1; plus strand). Cytogenetic location: 13q14.2.
Variant type: single nucleotide variant.
Coding change: c.380+2T>G on transcript NM_000321.3 (MANE Select); the canonical splice donor site of the intron after coding-DNA position 380, T replaced by G.
Molecular consequence: splice donor variant.
Genome position (GRCh38, 1-based): chr13:48,342,716, T>G. VCF-style: chr13-48342716-T-G. GRCh37 (hg19) VCF-style: chr13-48916852-T-G.
Other names: c.380+2T>G (NM_000321.2, NM_001407165.1, NM_001407166.1).
Identifiers: ClinVar variation 2749219 (VCV002749219.4), dbSNP rs2542156330, ClinGen allele CA388252581.
Genomic context (GRCh38, chr13:48,342,716, plus strand): 5'-GTTGACCTAGATGAGATGTCGTTCACTTTTACTGAGCTACAGAAAAACATAGAAATCAGG[T>G]AAAGTTTCTTGTATAAATATAAGCCTCTGCCATAAAAGGAAACGAATTCTGGATTTTCCT-3'